The following is an entry in ClinVar:

ClinVar aggregate classification (germline): Uncertain significance. Review status: criteria provided, multiple submitters, no conflicts (2 of 4 stars). 2 submissions from 2 submitters: Uncertain significance (2). Last evaluated 2024-06-21.

Conditions:
Hereditary cancer-predisposing syndrome. Also called: Hereditary Cancer Syndrome; Tumor predisposition; Neoplastic Syndromes, Hereditary; Hereditary neoplastic syndrome. Identifiers: Orphanet 140162, MedGen C0027672, MeSH D009386, MONDO:0015356.

Submissions (2):

Ambry Genetics
Classification: Uncertain significance for Hereditary cancer-predisposing syndrome. Last evaluated: 2024-06-21. Review status: criteria provided, single submitter. Criteria: Ambry Variant Classification Scheme 2023. Collection method: clinical testing. Allele origin: germline.
Comment: The p.S147P variant (also known as c.439T>C), located in coding exon 4 of the RAD50 gene, results from a T to C substitution at nucleotide position 439. The serine at codon 147 is replaced by proline, an amino acid with similar properties. This amino acid position is conserved. In addition, the in silico prediction for this alteration is inconclusive. Based on the available evidence, the clinical significance of this variant remains unclear.

Labcorp Genetics (formerly Invitae), Labcorp
Classification: Uncertain significance for Hereditary cancer-predisposing syndrome. Last evaluated: 2020-03-14. Review status: criteria provided, single submitter. Criteria: Invitae Variant Classification Sherloc (09022015). Collection method: clinical testing. Allele origin: germline.
Comment: This variant has not been reported in the literature in individuals with RAD50-related conditions. Algorithms developed to predict the effect of missense changes on protein structure and function are either unavailable or do not agree on the potential impact of this missense change (SIFT: "Tolerated"; PolyPhen-2: "Probably Damaging"; Align-GVGD: "Class C0"). In summary, the available evidence is currently insufficient to determine the role of this variant in disease. Therefore, it has been classified as a Variant of Uncertain Significance. This sequence change replaces serine with proline at codon 147 of the RAD50 protein (p.Ser147Pro). The serine residue is highly conserved and there is a moderate physicochemical difference between serine and proline. This variant is not present in population databases (ExAC no frequency).

NM_005732.4(RAD50):c.439T>C (p.Ser147Pro)

Gene: RAD50 (RAD50 double strand break repair protein; plus strand). Cytogenetic location: 5q31.1.
Variant type: single nucleotide variant.
Coding change: c.439T>C on transcript NM_005732.4 (MANE Select); coding-DNA position 439, T replaced by C.
Protein change: p.Ser147Pro; replaces serine 147 with proline.
Molecular consequence: missense variant.
Genome position (GRCh38, 1-based): chr5:132,579,390, T>C. VCF-style: chr5-132579390-T-C. GRCh37 (hg19) VCF-style: chr5-131915082-T-C.
Other names: c.439T>C (NM_005732.3); short protein forms S147P.
Identifiers: ClinVar variation 1014599 (VCV001014599.10), dbSNP rs1159264224, ClinGen allele CA360933992.
Genomic context (GRCh38, chr5:132,579,390, plus strand): 5'-GTCAGTCTGAGCTCTAAGTGTGCAGAAATTGACCGAGAAATGATCAGTTCTCTTGGGGTT[T>C]CCAAGGCTGTGCTAAATAATGTCATTTTCTGTCATCAAGAAGATTCTAATTGGCCTTTAA-3'
Protein context (NP_005723.2, residues 137-157): DREMISSLGV[Ser147Pro]KAVLNNVIFC